The following is an entry in ClinVar:

NM_001379659.1(ZNF142):c.336C>T (p.Phe112=)

Gene: ZNF142 (zinc finger protein 142; minus strand). Cytogenetic location: 2q35.
Variant type: single nucleotide variant.
Coding change: c.336C>T on transcript NM_001379659.1 (MANE Select); coding-DNA position 336, C replaced by T.
Protein change: p.Phe112=; no amino-acid change (phenylalanine 112 retained).
Molecular consequence: synonymous variant. On other transcripts: intron variant (6).
Genome position (GRCh38, 1-based): chr2:218,652,245, G>A on the plus strand (C>T on the coding strand, the complement: ZNF142 is on the minus strand). VCF-style: chr2-218652245-G-A. GRCh37 (hg19) VCF-style: chr2-219516968-G-A.
Other names: c.336C>T, p.Phe112= (NM_001366290.3, NM_001379660.1, NM_001379661.1); c.281-1719C>T (NM_001379662.1, NM_001105537.4, NM_001366291.2); c.-331-423C>T (NM_001366289.2, NM_001366288.2, NM_001366287.2).
Identifiers: ClinVar variation 2571121 (VCV002571121.28), dbSNP rs187903453, ClinGen allele CA2109500.

ClinVar aggregate classification (germline): Likely benign. Review status: criteria provided, single submitter (1 of 4 stars). 2 submissions from 2 submitters: Likely benign (1). 1 of the submissions does not count toward it. Last evaluated 2026-07-01.

Conditions:
ZNF142-related disorder. Also called: ZNF142-related condition.

Allele frequency attached by ClinVar (database versions not stated): 1000 Genomes Project 0.00080; ExAC 0.00232; gnomAD exomes 0.00222; TOPMed 0.00135; gnomAD 0.00185; 1000 Genomes Project 30x 0.00078.
gnomAD v4.1: 954 of 456,896 alleles (0.21%); highest among the groups gnomAD compares: Non-Finnish European, 0.28%; 3 homozygotes.

Submissions (2):

CeGaT Center for Human Genetics Tuebingen
Classification: Likely benign. Last evaluated: 2026-07-01. Review status: criteria provided, single submitter. Criteria: CeGaT Center For Human Genetics Tuebingen Variant Classification Criteria Version 2. Collection method: clinical testing. Allele origin: germline. Affected: yes. Observed: 10 variant alleles.
Comment: ZNF142: BP4, BP7

PreventionGenetics, part of Exact Sciences
Classification: Likely benign for ZNF142-related condition. Last evaluated: 2024-09-10. Review status: no assertion criteria provided. Collection method: clinical testing. Allele origin: germline. Not counted in ClinVar's aggregate classification.
Comment: This variant is classified as likely benign based on ACMG/AMP sequence variant interpretation guidelines (Richards et al. 2015 PMID: 25741868, with internal and published modifications).